The following is an entry in ClinVar:

ClinVar aggregate classification (germline): Uncertain significance. Review status: criteria provided, multiple submitters, no conflicts (2 of 4 stars). 3 submissions from 3 submitters: Uncertain significance (3). Last evaluated 2025-09-26.

Conditions:
Inborn genetic diseases. Identifiers: MedGen C0950123, MeSH D030342.
Pyruvate carboxylase deficiency. Also called: Pyruvate Carboxylase Deficiency Disease; ATAXIA WITH LACTIC ACIDOSIS II; LEIGH NECROTIZING ENCEPHALOPATHY DUE TO PYRUVATE CARBOXYLASE DEFICIENCY; LEIGH SYNDROME DUE TO PYRUVATE CARBOXYLASE DEFICIENCY; PC DEFICIENCY. Identifiers: Orphanet 3008, MedGen C0034341, MONDO:0009949, OMIM 266150.

Allele frequency attached by ClinVar (database versions not stated): gnomAD exomes below 0.00001; TOPMed 0.00002.
gnomAD v4.1: 2 of 1,613,950 alleles (0.00012%); highest among the groups gnomAD compares: Admixed American, 0.0017%; no homozygotes.

Submissions (3):

Ambry Genetics
Classification: Uncertain significance for Inborn genetic diseases. Last evaluated: 2025-09-26. Review status: criteria provided, single submitter. Criteria: Ambry Variant Classification Scheme 2023. Collection method: clinical testing. Allele origin: germline.

GeneDx
Classification: Uncertain significance. Last evaluated: 2023-03-10. Review status: criteria provided, single submitter. Criteria: GeneDx Variant Classification Process June 2021. Collection method: clinical testing. Allele origin: germline. Affected: yes.
Comment: Not observed at significant frequency in large population cohorts (gnomAD); In silico analysis supports that this missense variant does not alter protein structure/function; Has not been previously published as pathogenic or benign to our knowledge

Labcorp Genetics (formerly Invitae), Labcorp
Classification: Uncertain significance for Pyruvate carboxylase deficiency. Last evaluated: 2022-07-29. Review status: criteria provided, single submitter. Criteria: Invitae Variant Classification Sherloc (09022015). Collection method: clinical testing. Allele origin: germline.
Comment: This sequence change replaces serine, which is neutral and polar, with cysteine, which is neutral and slightly polar, at codon 184 of the PC protein (p.Ser184Cys). This variant is not present in population databases (gnomAD no frequency). This variant has not been reported in the literature in individuals affected with PC-related conditions. Algorithms developed to predict the effect of missense changes on protein structure and function (SIFT, PolyPhen-2, Align-GVGD) all suggest that this variant is likely to be tolerated. In summary, the available evidence is currently insufficient to determine the role of this variant in disease. Therefore, it has been classified as a Variant of Uncertain Significance.

NM_001040716.2(PC):c.551C>G (p.Ser184Cys)

Gene: PC (pyruvate carboxylase; minus strand). Cytogenetic location: 11q13.2.
Variant type: single nucleotide variant.
Coding change: c.551C>G on transcript NM_001040716.2 (MANE Select); coding-DNA position 551, C replaced by G.
Protein change: p.Ser184Cys; replaces serine 184 with cysteine.
Molecular consequence: missense variant.
Genome position (GRCh38, 1-based): chr11:66,871,134, G>C on the plus strand (C>G on the coding strand, the complement: PC is on the minus strand). VCF-style: chr11-66871134-G-C. GRCh37 (hg19) VCF-style: chr11-66638605-G-C.
Other names: c.551C>G (NM_000920.3); c.551C>G, p.Ser184Cys (NM_000920.4, NM_022172.3); short protein forms S184C.
Identifiers: ClinVar variation 2075050 (VCV002075050.3), dbSNP rs1946714341, ClinGen allele CA381502182.